The following is an entry in ClinVar:

ClinVar aggregate classification (germline): Uncertain significance (1 of 4 stars; one submission).

Allele frequency attached by ClinVar (database versions not stated): gnomAD 0.00001; gnomAD exomes 0.00003 and 0.00006.
gnomAD v4.1: 53 of 1,599,568 alleles (0.0033%); highest among the groups gnomAD compares: Middle Eastern, 0.068%; no homozygotes.

Submission:

Labcorp Genetics (formerly Invitae), Labcorp
Classification: Uncertain significance. Last evaluated: 2021-11-12. Review status: criteria provided, single submitter. Criteria: Invitae Variant Classification Sherloc (09022015). Collection method: clinical testing. Allele origin: germline.
Comment: This sequence change replaces arginine, which is basic and polar, with cysteine, which is neutral and slightly polar, at codon 113 of the TIMM50 protein (p.Arg113Cys). The frequency data for this variant in the population databases is considered unreliable, as metrics indicate poor data quality at this position in the gnomAD database. This variant has not been reported in the literature in individuals affected with TIMM50-related conditions. Algorithms developed to predict the effect of missense changes on protein structure and function are either unavailable or do not agree on the potential impact of this missense change (SIFT: "Not Available"; PolyPhen-2: "Probably Damaging"; Align-GVGD: "Not Available"). In summary, the available evidence is currently insufficient to determine the role of this variant in disease. Therefore, it has been classified as a Variant of Uncertain Significance.

NM_001001563.5(TIMM50):c.28C>T (p.Arg10Cys)

Gene: TIMM50 (translocase of inner mitochondrial membrane 50; plus strand). Cytogenetic location: 19q13.2.
Variant type: single nucleotide variant.
Coding change: c.28C>T on transcript NM_001001563.5 (MANE Select); coding-DNA position 28, C replaced by T.
Protein change: p.Arg10Cys; replaces arginine 10 with cysteine.
Molecular consequence: missense variant. On other transcripts: 5 prime UTR variant (1).
Genome position (GRCh38, 1-based): chr19:39,480,881, C>T. VCF-style: chr19-39480881-C-T. GRCh37 (hg19) VCF-style: chr19-39971521-C-T.
Other names: c.-253C>T (NM_001329559.2); short protein forms R10C.
Identifiers: ClinVar variation 1441529 (VCV001441529.3), dbSNP rs768161958, ClinGen allele CA9431635.